The following is an entry in ClinVar:

NM_006514.4(SCN10A):c.3859G>T (p.Val1287Phe)

Gene: SCN10A (sodium voltage-gated channel alpha subunit 10; minus strand). Cytogenetic location: 3p22.2.
Variant type: single nucleotide variant.
Coding change: c.3859G>T on transcript NM_006514.4 (MANE Select); coding-DNA position 3859, G replaced by T.
Protein change: p.Val1287Phe; replaces valine 1287 with phenylalanine.
Molecular consequence: missense variant.
Genome position (GRCh38, 1-based): chr3:38,712,391, C>A on the plus strand (G>T on the coding strand, the complement: SCN10A is on the minus strand). VCF-style: chr3-38712391-C-A. GRCh37 (hg19) VCF-style: chr3-38753882-C-A.
Other names: c.3856G>T, p.Val1286Phe (NM_001293306.2); c.3565G>T, p.Val1189Phe (NM_001293307.2); c.3859G>T (NM_006514.2); short protein forms V1189F, V1286F, V1287F.
Identifiers: ClinVar variation 1017223 (VCV001017223.4), dbSNP rs145032037, ClinGen allele CA2320079.

ClinVar aggregate classification (germline): Uncertain significance. Review status: criteria provided, multiple submitters, no conflicts (2 of 4 stars). 3 submissions from 3 submitters: Uncertain significance (3). Last evaluated 2025-05-08.

Conditions:
Cardiovascular phenotype. Identifiers: MedGen CN230736.
Brugada syndrome. Also called: Sudden unexpected nocturnal death syndrome; Sudden Unexplained Nocturnal Death Syndrome (SUNDS); Sudden unexplained nocturnal death syndrome; Sudden Unexplained Death Syndrome. Identifiers: Orphanet 130, MedGen C1142166, MONDO:0015263.

Allele frequency attached by ClinVar (database versions not stated): TOPMed 0.00002.
gnomAD v4.1: 8 of 1,614,050 alleles (0.0005%); highest among the groups gnomAD compares: Admixed American, 0.01%; no homozygotes.

Submissions (3):

Ambry Genetics
Classification: Uncertain significance for Cardiovascular phenotype. Last evaluated: 2025-05-08. Review status: criteria provided, single submitter. Criteria: Ambry Variant Classification Scheme 2023. Collection method: clinical testing. Allele origin: germline.
Comment: The p.V1287F variant (also known as c.3859G>T), located in coding exon 22 of the SCN10A gene, results from a G to T substitution at nucleotide position 3859. The valine at codon 1287 is replaced by phenylalanine, an amino acid with highly similar properties. This amino acid position is highly conserved in available vertebrate species. In addition, this alteration is predicted to be deleterious by in silico analysis. Based on the available evidence, the clinical significance of this variant remains unclear.

GeneDx
Classification: Uncertain significance. Last evaluated: 2024-12-26. Review status: criteria provided, single submitter. Criteria: GeneDx Variant Classification Process June 2021. Collection method: clinical testing. Allele origin: germline. Affected: yes.
Comment: Not observed at significant frequency in large population cohorts (gnomAD); In silico analysis supports that this missense variant has a deleterious effect on protein structure/function; Has not been previously published as pathogenic or benign to our knowledge

Labcorp Genetics (formerly Invitae), Labcorp
Classification: Uncertain significance for Brugada syndrome. Last evaluated: 2022-06-30. Review status: criteria provided, single submitter. Criteria: Invitae Variant Classification Sherloc (09022015). Collection method: clinical testing. Allele origin: germline.
Comment: This sequence change replaces valine, which is neutral and non-polar, with phenylalanine, which is neutral and non-polar, at codon 1287 of the SCN10A protein (p.Val1287Phe). This variant is present in population databases (rs145032037, gnomAD 0.009%). This variant has not been reported in the literature in individuals affected with SCN10A-related conditions. ClinVar contains an entry for this variant (Variation ID: 1017223). Algorithms developed to predict the effect of missense changes on protein structure and function are either unavailable or do not agree on the potential impact of this missense change (SIFT: "Deleterious"; PolyPhen-2: "Probably Damaging"; Align-GVGD: "Class C0"). In summary, the available evidence is currently insufficient to determine the role of this variant in disease. Therefore, it has been classified as a Variant of Uncertain Significance.